The following is an entry in ClinVar:

ClinVar aggregate classification (germline): Uncertain significance (1 of 4 stars; one submission).

Submission:

Labcorp Genetics (formerly Invitae), Labcorp
Classification: Uncertain significance. Last evaluated: 2024-09-22. Review status: criteria provided, single submitter. Criteria: Invitae Variant Classification Sherloc (09022015). Collection method: clinical testing. Allele origin: germline.
Comment: This sequence change replaces leucine, which is neutral and non-polar, with arginine, which is basic and polar, at codon 154 of the NYX protein (p.Leu154Arg). This variant is not present in population databases (gnomAD no frequency). This variant has not been reported in the literature in individuals affected with NYX-related conditions. Invitae Evidence Modeling of protein sequence and biophysical properties (such as structural, functional, and spatial information, amino acid conservation, physicochemical variation, residue mobility, and thermodynamic stability) indicates that this missense variant is not expected to disrupt NYX protein function with a negative predictive value of 80%. In summary, the available evidence is currently insufficient to determine the role of this variant in disease. Therefore, it has been classified as a Variant of Uncertain Significance.

NM_001378477.3(NYX):c.446T>G (p.Leu149Arg)

Gene: NYX (nyctalopin; plus strand). Cytogenetic location: Xp11.4.
Variant type: single nucleotide variant.
Coding change: c.446T>G on transcript NM_001378477.3 (MANE Select); coding-DNA position 446, T replaced by G.
Protein change: p.Leu149Arg; replaces leucine 149 with arginine.
Molecular consequence: missense variant.
Genome position (GRCh38, 1-based): chrX:41,473,914, T>G. VCF-style: chrX-41473914-T-G. GRCh37 (hg19) VCF-style: chrX-41333167-T-G.
Other names: c.446T>G, p.Leu149Arg (NM_022567.3); short protein forms L149R.
Identifiers: ClinVar variation 3720729 (VCV003720729.2).